The following is an entry in ClinVar:

ClinVar aggregate classification (germline): Uncertain significance (1 of 4 stars; one submission).

Conditions:
Hereditary cancer-predisposing syndrome. Also called: Neoplastic Syndromes, Hereditary; Tumor predisposition; Hereditary neoplastic syndrome; Hereditary Cancer Syndrome. Identifiers: Orphanet 140162, MedGen C0027672, MeSH D009386, MONDO:0015356.

Submission:

Ambry Genetics
Classification: Uncertain significance for Hereditary cancer-predisposing syndrome. Last evaluated: 2026-08-08. Review status: criteria provided, single submitter. Criteria: Ambry Variant Classification Scheme 2023. Collection method: clinical testing. Allele origin: germline.
Comment: The p.S65T variant (also known as c.194G>C), located in coding exon 2 of the RET gene, results from a G to C substitution at nucleotide position 194. The serine at codon 65 is replaced by threonine, an amino acid with similar properties. This amino acid position is conserved. In addition, this alteration is predicted to be tolerated by in silico analysis. Based on the available evidence, the clinical significance of this variant remains unclear.

NM_020975.6(RET):c.194G>C (p.Ser65Thr)

Gene: RET (ret proto-oncogene; plus strand). Cytogenetic location: 10q11.21.
Variant type: single nucleotide variant.
Coding change: c.194G>C on transcript NM_020975.6 (MANE Select); coding-DNA position 194, G replaced by C.
Protein change: p.Ser65Thr; replaces serine 65 with threonine.
Molecular consequence: missense variant. On other transcripts: intron variant (4).
Genome position (GRCh38, 1-based): chr10:43,100,579, G>C. VCF-style: chr10-43100579-G-C. GRCh37 (hg19) VCF-style: chr10-43596027-G-C.
Other names: c.194G>C, p.Ser65Thr (NM_001406777.1, NM_001406778.1, NM_001406779.1 and 32 more transcripts); c.74-11520G>C (NM_001406792.1, NM_001406793.1, NM_001406794.1); c.74-8452G>C (NM_001406784.1); short protein forms S65T.
Identifiers: ClinVar variation 5028200 (VCV005028200.1).